The following is an entry in ClinVar:

NM_000388.4(CASR):c.2559C>G (p.Phe853Leu)

Gene: CASR (calcium sensing receptor; plus strand). Cytogenetic location: 3q21.1.
Variant type: single nucleotide variant.
Coding change: c.2559C>G on transcript NM_000388.4 (MANE Select); coding-DNA position 2559, C replaced by G.
Protein change: p.Phe853Leu; replaces phenylalanine 853 with leucine.
Molecular consequence: missense variant.
Genome position (GRCh38, 1-based): chr3:122,284,513, C>G. VCF-style: chr3-122284513-C-G. GRCh37 (hg19) VCF-style: chr3-122003360-C-G.
Other names: c.2589C>G, p.Phe863Leu (NM_001178065.2); short protein forms F853L, F863L.
Identifiers: ClinVar variation 856559 (VCV000856559.10), dbSNP rs2074940685, ClinGen allele CA354160286.

ClinVar aggregate classification (germline): Uncertain significance (1 of 4 stars; one submission).

Conditions:
Familial hypocalciuric hypercalcemia (FHH). Also called: Familial benign hypercalcemia. Identifiers: Orphanet 405, MedGen C1809471, MONDO:0018458.
Autosomal dominant hypocalcemia 1 (HYPOC1). Also called: HYPOCALCEMIA, FAMILIAL. Identifiers: MedGen C3715128, MONDO:0011013, OMIM 601198.

Submission:

Labcorp Genetics (formerly Invitae), Labcorp
Classification: Uncertain significance for Familial hypocalciuric hypercalcemia; Autosomal dominant hypocalcemia 1. Last evaluated: 2025-11-27. Review status: criteria provided, single submitter. Criteria: Invitae Variant Classification Sherloc (09022015). Collection method: clinical testing. Allele origin: germline.
Comment: This sequence change replaces phenylalanine, which is neutral and non-polar, with leucine, which is neutral and non-polar, at codon 853 of the CASR protein (p.Phe853Leu). This variant is not present in population databases (gnomAD no frequency). This variant has not been reported in the literature in individuals affected with CASR-related conditions. ClinVar contains an entry for this variant (Variation ID: 856559). An algorithm developed to predict the effect of missense changes on protein structure and function (PolyPhen-2) suggests that this variant is likely to be disruptive. In summary, the available evidence is currently insufficient to determine the role of this variant in disease. Therefore, it has been classified as a Variant of Uncertain Significance.